The following is an entry in ClinVar:

ClinVar aggregate classification (germline): Likely benign (0 of 4 stars; one submission).

Conditions:
KIDINS220-related disorder. Also called: KIDINS220-related condition.

gnomAD v4.1: 38 of 1,513,150 alleles (0.0025%); highest among the groups gnomAD compares: Admixed American, 0.0091%; no homozygotes.

Submission:

PreventionGenetics, part of Exact Sciences
Classification: Likely benign for KIDINS220-related condition. Last evaluated: 2022-01-21. Review status: no assertion criteria provided. Collection method: clinical testing. Allele origin: germline.
Comment: This variant is classified as likely benign based on ACMG/AMP sequence variant interpretation guidelines (Richards et al. 2015 PMID: 25741868, with internal and published modifications).

NM_020738.4(KIDINS220):c.4054-8C>T

Gene: KIDINS220 (kinase D interacting substrate 220; minus strand). Cytogenetic location: 2p25.1.
Variant type: single nucleotide variant.
Coding change: c.4054-8C>T on transcript NM_020738.4 (MANE Select); 8 bases into the intron before coding-DNA position 4054, C replaced by T.
Molecular consequence: intron variant.
Genome position (GRCh38, 1-based): chr2:8,731,990, G>A on the plus strand (C>T on the coding strand, the complement: KIDINS220 is on the minus strand). VCF-style: chr2-8731990-G-A. GRCh37 (hg19) VCF-style: chr2-8872120-G-A.
Other names: c.3882+1454C>T (NM_001348741.2, NM_001348742.2, NM_001348743.2); c.3996+1454C>T (NM_001348738.2); c.3885+1454C>T (NM_001348739.2, NM_001348740.2); c.3883-8C>T (NM_001348735.2); c.3997-8C>T (NM_001348732.2); c.3886-8C>T (NM_001348734.2); c.4000-8C>T (NM_001348731.2); c.4057-8C>T (NM_001348729.2); and 1 more.
Identifiers: ClinVar variation 3355369 (VCV003355369.1).